The following is an entry in ClinVar:

NM_015488.5(PNKD):c.931C>T (p.Arg311Trp)

Genes: CATIP-AS2 (CATIP antisense RNA 2; minus strand), PNKD (PNKD metallo-beta-lactamase domain containing; plus strand). Cytogenetic location: 2q35.
Variant type: single nucleotide variant.
Coding change: c.931C>T on transcript NM_015488.5 (MANE Select); coding-DNA position 931, C replaced by T.
Protein change: p.Arg311Trp; replaces arginine 311 with tryptophan.
Molecular consequence: missense variant.
Genome position (GRCh38, 1-based): chr2:218,344,517, C>T. VCF-style: chr2-218344517-C-T. GRCh37 (hg19) VCF-style: chr2-219209240-C-T.
Other names: c.859C>T, p.Arg287Trp (NM_022572.5); short protein forms R287W, R311W.
Identifiers: ClinVar variation 1418804 (VCV001418804.6), dbSNP rs761896240, ClinGen allele CA2104155.
Genomic context (GRCh38, chr2:218,344,517, plus strand): 5'-CATGAGTATGCAGAGGAGAACCTGGGCTTTGCAGGTGTGGTGGAGCCCGAGAACCTGGCC[C>T]GGGAGAGGAAGATGCAGTGGGTGCAGCGGCAGCGGCTGGAGCGCAAGGGCACGGTGAGGG-3'
Protein context (NP_056303.3, residues 301-321): AGVVEPENLA[Arg311Trp]ERKMQWVQRQ

ClinVar aggregate classification (germline): Uncertain significance (1 of 4 stars; one submission).

Conditions:
Paroxysmal nonkinesigenic dyskinesia. Also called: Paroxysmal non-kinesigenic dyskinesia. Identifiers: Orphanet 98810, MedGen C1869117, MONDO:0700088.

Allele frequency attached by ClinVar (database versions not stated): gnomAD exomes 0.00001; ExAC 0.00005.

Submission:

Labcorp Genetics (formerly Invitae), Labcorp
Classification: Uncertain significance for Paroxysmal nonkinesigenic dyskinesia. Last evaluated: 2022-08-16. Review status: criteria provided, single submitter. Criteria: Invitae Variant Classification Sherloc (09022015). Collection method: clinical testing. Allele origin: germline.
Comment: This sequence change replaces arginine, which is basic and polar, with tryptophan, which is neutral and slightly polar, at codon 311 of the PNKD protein (p.Arg311Trp). The frequency data for this variant in the population databases is considered unreliable, as metrics indicate poor data quality at this position in the gnomAD database. This variant has not been reported in the literature in individuals affected with PNKD-related conditions. ClinVar contains an entry for this variant (Variation ID: 1418804). Algorithms developed to predict the effect of missense changes on protein structure and function are either unavailable or do not agree on the potential impact of this missense change (SIFT: "Deleterious"; PolyPhen-2: "Probably Damaging"; Align-GVGD: "Class C0"). In summary, the available evidence is currently insufficient to determine the role of this variant in disease. Therefore, it has been classified as a Variant of Uncertain Significance.